The following is an entry in ClinVar:

ClinVar aggregate classification (germline): Uncertain significance (1 of 4 stars; one submission).

Conditions:
Hereditary breast ovarian cancer syndrome. Also called: Breast and ovarian cancer; BRCA1- and BRCA2-Associated Hereditary Breast and Ovarian Cancer; Hereditary breast and ovarian cancer syndrome; Hereditary breast and ovarian cancer; Hereditary breast and ovarian cancer syndrome (HBOC); Hereditary breast and/or ovarian cancer syndrome. Identifiers: Orphanet 145, MedGen C0677776, MeSH D061325, MONDO:0003582. Disease mechanism: loss of function.

Submission:

Labcorp Genetics (formerly Invitae), Labcorp
Classification: Uncertain significance for Hereditary breast ovarian cancer syndrome. Last evaluated: 2021-12-23. Review status: criteria provided, single submitter. Criteria: Invitae Variant Classification Sherloc (09022015). Collection method: clinical testing. Allele origin: germline.
Comment: This sequence change replaces tyrosine, which is neutral and polar, with asparagine, which is neutral and polar, at codon 2826 of the BRCA2 protein (p.Tyr2826Asn). This variant is not present in population databases (gnomAD no frequency). This variant has not been reported in the literature in individuals affected with BRCA2-related conditions. Algorithms developed to predict the effect of missense changes on protein structure and function (SIFT, PolyPhen-2, Align-GVGD) all suggest that this variant is likely to be disruptive. In summary, the available evidence is currently insufficient to determine the role of this variant in disease. Therefore, it has been classified as a Variant of Uncertain Significance.

NM_000059.4(BRCA2):c.8476T>A (p.Tyr2826Asn)

Gene: BRCA2 (BRCA2 DNA repair associated; plus strand). Cytogenetic location: 13q13.1.
Variant type: single nucleotide variant.
Coding change: c.8476T>A on transcript NM_000059.4 (MANE Select); coding-DNA position 8476, T replaced by A.
Protein change: p.Tyr2826Asn; replaces tyrosine 2826 with asparagine.
Molecular consequence: missense variant.
Genome position (GRCh38, 1-based): chr13:32,370,546, T>A. VCF-style: chr13-32370546-T-A. GRCh37 (hg19) VCF-style: chr13-32944683-T-A.
Other names: c.8380T>A, p.Tyr2794Asn (NM_001406719.1); c.8476T>A, p.Tyr2826Asn (NM_001406720.1); c.3544T>A, p.Tyr1182Asn (NM_001406721.1); c.2059T>A, p.Tyr687Asn (NM_001406722.1); short protein forms Y1182N, Y687N, Y2794N, Y2826N.
Identifiers: ClinVar variation 2054875 (VCV002054875.4), dbSNP rs2137598028, ClinGen allele CA387752629.